The following is an entry in ClinVar:

ClinVar aggregate classification (germline): Uncertain significance (1 of 4 stars; one submission).

Conditions:
Emery-Dreifuss muscular dystrophy 5, autosomal dominant (EDMD5). Also called: EMERY-DREIFUSS MUSCULAR DYSTROPHY 5. Identifiers: Orphanet 261, MedGen C2751805, MONDO:0013072, OMIM 612999.

Allele frequency attached by ClinVar (database versions not stated): gnomAD exomes below 0.00001 and 0.00001; ExAC 0.00001; gnomAD 0.00001; 1000 Genomes Project 0.00020; 1000 Genomes Project 30x 0.00031.
gnomAD v4.1: 7 of 1,614,204 alleles (0.00043%); highest among the groups gnomAD compares: Admixed American, 0.0017%; no homozygotes.

Submission:

Labcorp Genetics (formerly Invitae), Labcorp
Classification: Uncertain significance for Emery-Dreifuss muscular dystrophy 5, autosomal dominant. Last evaluated: 2022-08-16. Review status: criteria provided, single submitter. Criteria: Invitae Variant Classification Sherloc (09022015). Collection method: clinical testing. Allele origin: germline.
Comment: In summary, the available evidence is currently insufficient to determine the role of this variant in disease. Therefore, it has been classified as a Variant of Uncertain Significance. Algorithms developed to predict the effect of missense changes on protein structure and function are either unavailable or do not agree on the potential impact of this missense change (SIFT: "Tolerated"; PolyPhen-2: "Probably Damaging"; Align-GVGD: "Class C0"). ClinVar contains an entry for this variant (Variation ID: 1444712). This variant has not been reported in the literature in individuals affected with SYNE2-related conditions. This variant is present in population databases (rs556819169, gnomAD 0.007%). This sequence change replaces tyrosine, which is neutral and polar, with cysteine, which is neutral and slightly polar, at codon 5135 of the SYNE2 protein (p.Tyr5135Cys).

NM_182914.3(SYNE2):c.15404A>G (p.Tyr5135Cys)

Gene: SYNE2 (spectrin repeat containing nuclear envelope protein 2; plus strand). Cytogenetic location: 14q23.2.
Variant type: single nucleotide variant.
Coding change: c.15404A>G on transcript NM_182914.3 (MANE Select); coding-DNA position 15404, A replaced by G.
Protein change: p.Tyr5135Cys; replaces tyrosine 5135 with cysteine.
Molecular consequence: missense variant.
Genome position (GRCh38, 1-based): chr14:64,143,869, A>G. VCF-style: chr14-64143869-A-G. GRCh37 (hg19) VCF-style: chr14-64610587-A-G.
Other names: c.15404A>G, p.Tyr5135Cys (NM_015180.6); short protein forms Y5135C.
Identifiers: ClinVar variation 1444712 (VCV001444712.9), dbSNP rs556819169, ClinGen allele CA7223072.
Genomic context (GRCh38, chr14:64,143,869, plus strand): 5'-TTGACTTCGTTAACCAGTCATTACTTCAGCTAAGCACCTGTGATGTAGAAAGCAAGCGCT[A>G]TGAAAGAACGGAGTTTGCAGAGCACCTGGGGGAGATGAACCGCCAGTGGCACCGTGTACA-3'
Protein context (NP_878918.2, residues 5125-5145): LSTCDVESKR[Tyr5135Cys]ERTEFAEHLG